The following is an entry in ClinVar:

ClinVar aggregate classification (germline): Pathogenic (1 of 4 stars; one submission).

Conditions:
Cardiovascular phenotype. Identifiers: MedGen CN230736.

Submission:

Ambry Genetics
Classification: Pathogenic for Cardiovascular phenotype. Last evaluated: 2026-04-06. Review status: criteria provided, single submitter. Criteria: Ambry Variant Classification Scheme 2023. Collection method: clinical testing. Allele origin: germline.
Comment: The c.1532dupT pathogenic mutation, located in coding exon 11 of the DSC2 gene, results from a duplication of T at nucleotide position 1532, causing a translational frameshift with a predicted alternate stop codon (p.L511Ffs*3). This variant was reported in individual(s) with features consistent with arrhythmogenic right ventricular cardiomyopathy (Ambry internal data). This variant is considered to be rare based on population cohorts in the Genome Aggregation Database (gnomAD). This alteration is expected to result in loss of function by premature protein truncation or nonsense-mediated mRNA decay. As such, this alteration is interpreted as a disease-causing mutation.

NM_024422.6(DSC2):c.1532dup (p.Leu511fs)

Gene: DSC2 (desmocollin 2; minus strand). Cytogenetic location: 18q12.1.
Variant type: Duplication.
Coding change: c.1532dup on transcript NM_024422.6 (MANE Select); coding-DNA position 1532, one base duplicated (T; older notation c.1532dupT).
Protein change: p.Leu511fs; shifts the reading frame from leucine 511.
Molecular consequence: frameshift variant.
Genome position (GRCh38, 1-based): chr18:31,079,978, A duplicated on the plus strand (T on the coding strand, the reverse complement: DSC2 is on the minus strand); the first of 2 consecutive A bases (chr18:31,079,978-31,079,979); duplicating either gives the same sequence. VCF-style (leftmost placement, unchanged base first): chr18-31079977-T-TA. GRCh37 (hg19) VCF-style: chr18-28659943-T-TA.
Other names: c.1103dup, p.Leu368fs (NM_001406506.1, NM_001406507.1); c.1532dup, p.Leu511fs (NM_004949.5); short protein forms L368fs, L511fs.
Identifiers: ClinVar variation 4870103 (VCV004870103.1).